The following is an entry in ClinVar:

ClinVar aggregate classification (germline): Benign/Likely benign. Review status: criteria provided, multiple submitters, no conflicts (2 of 4 stars). 3 submissions from 3 submitters: Benign (1); Likely benign (1). 1 of the submissions does not count toward it. Last evaluated 2025-06-17.

Conditions:
SEMA3E-related disorder. Also called: SEMA3E-related condition.
CHARGE syndrome (CHARGE). Also called: Hittner Hirsch Kreh syndrome; CHARGE ASSOCIATION--COLOBOMA, HEART ANOMALY, CHOANAL ATRESIA, RETARDATION, GENITAL AND EAR ANOMALIES; Coloboma, heart anomaly, choanal atresia, retardation, genital and ear anomalies; CHARGE association; Hall-Hittner syndrome. Identifiers: Orphanet 138, MedGen C0265354, MONDO:0008965.

Allele frequency attached by ClinVar (database versions not stated): gnomAD below 0.00001 and 0.00005; TOPMed 0.00001; ExAC 0.00030; 1000 Genomes Project 30x 0.00062; 1000 Genomes Project 0.00080.
gnomAD v4.1: 183 of 1,613,532 alleles (0.011%); highest among the groups gnomAD compares: South Asian, 0.19%; 2 homozygotes.

Submissions (3):

Labcorp Genetics (formerly Invitae), Labcorp
Classification: Likely benign for CHARGE syndrome. Last evaluated: 2025-06-17. Review status: criteria provided, single submitter. Criteria: Invitae Variant Classification Sherloc (09022015). Collection method: clinical testing. Allele origin: germline.

CeGaT Center for Human Genetics Tuebingen
Classification: Benign. Last evaluated: 2023-10-01. Review status: criteria provided, single submitter. Criteria: CeGaT Center For Human Genetics Tuebingen Variant Classification Criteria Version 2. Collection method: clinical testing. Allele origin: germline. Affected: yes. Observed: 1 variant allele.
Comment: SEMA3E: BS1, BS2

PreventionGenetics, part of Exact Sciences
Classification: Likely benign for SEMA3E-related condition. Last evaluated: 2024-05-02. Review status: no assertion criteria provided. Collection method: clinical testing. Allele origin: germline. Not counted in ClinVar's aggregate classification.
Comment: This variant is classified as likely benign based on ACMG/AMP sequence variant interpretation guidelines (Richards et al. 2015 PMID: 25741868, with internal and published modifications).

NM_012431.3(SEMA3E):c.1834A>T (p.Ile612Phe)

Gene: SEMA3E (semaphorin 3E; minus strand). Cytogenetic location: 7q21.11.
Variant type: single nucleotide variant.
Coding change: c.1834A>T on transcript NM_012431.3 (MANE Select); coding-DNA position 1834, A replaced by T.
Protein change: p.Ile612Phe; replaces isoleucine 612 with phenylalanine.
Molecular consequence: missense variant.
Genome position (GRCh38, 1-based): chr7:83,385,335, T>A on the plus strand (A>T on the coding strand, the complement: SEMA3E is on the minus strand). VCF-style: chr7-83385335-T-A. GRCh37 (hg19) VCF-style: chr7-83014651-T-A.
Other names: c.1654A>T, p.Ile552Phe (NM_001178129.2); short protein forms I612F, I552F.
Identifiers: ClinVar variation 702956 (VCV000702956.34), dbSNP rs560983031, ClinGen allele CA4321888.
Genomic context (GRCh38, chr7:83,385,335, plus strand): 5'-ATATGCAGCTATGAATTACCTCCTCTTTTCTTGTCTCACGTCCTTTCTGTACAAACCAGA[T>A]AACTTTCGCTTGTAAAGATCGTGGGGTACATTCCAGCAAAGTACTGTTGTTCTCTATGCC-3'
Protein context (NP_036563.1, residues 602-622): CTPRSLQAKV[Ile612Phe]WFVQKGRETR